The following is an entry in ClinVar:

Single allele

Variant type: Deletion.
Identifiers: ClinVar variation 157291 (VCV000157291.2).

ClinVar aggregate classification (germline): not provided (0 of 4 stars; one submission).

Conditions:
Small for gestational age. Also called: Low birth weight. Identifiers: MedGen C0235991, HP:0001518.

Submission:

Institute of Molecular and Cell Biology, University of Tartu
No classification provided. Condition: Small for gestational age. Review status: no classification provided. Collection method: case-control. Allele origin: unknown. Affected: yes. Study: Kasak2014.
Comment: The study aimed to determine the contribution of copy number variants in the genetic etiology of normal and complicated pregnancies. The samples represented (i) maternal blood DNA drawn from healthy pregnant women during 1st or 2nd trimester and (ii) maternal and paternal blood DNA drawn at term pregnancy cases representing normal and complicated gestations (severe preeclampsia, PE; gestational diabetes, GD; small-for-gestational age newborn, SGA; large-for-gestational age newborn, LGA). We performed CNV calling based on genome-wide genotyping dataset (Illumina HumanOmniExpress-24-v1 BeadChip) by applying three algorithms, QuantiSNP, GADA (Genome Alteration Detection Algorithm) and CNstream in parallel. The acquired CNV calls were merged with HD-CNV (Hotspot Detector for Copy Number Variants) program and only the CNVs predicted by at least two programs, were considered in subsequent analysis.

Literature cited by the submitters: PubMed 25666259.